The following is an entry in ClinVar:

NM_004525.3(LRP2):c.1459A>G (p.Lys487Glu)

Gene: LRP2 (LDL receptor related protein 2; minus strand). Cytogenetic location: 2q31.1.
Variant type: single nucleotide variant.
Coding change: c.1459A>G on transcript NM_004525.3 (MANE Select); coding-DNA position 1459, A replaced by G.
Protein change: p.Lys487Glu; replaces lysine 487 with glutamic acid.
Molecular consequence: missense variant.
Genome position (GRCh38, 1-based): chr2:169,279,478, T>C on the plus strand (A>G on the coding strand, the complement: LRP2 is on the minus strand). VCF-style: chr2-169279478-T-C. GRCh37 (hg19) VCF-style: chr2-170135988-T-C.
Other names: short protein forms K487E.
Identifiers: ClinVar variation 1519730 (VCV001519730.7), dbSNP rs142752192, ClinGen allele CA1955560.

ClinVar aggregate classification (germline): Uncertain significance (1 of 4 stars; one submission).

Allele frequency attached by ClinVar (database versions not stated): gnomAD exomes below 0.00001; ExAC 0.00001; ESP Exome Variant Server 0.00008.
gnomAD v4.1: 6 of 1,613,870 alleles (0.00037%); highest among the groups gnomAD compares: Non-Finnish European, 0.00051%; no homozygotes.

Submission:

Labcorp Genetics (formerly Invitae), Labcorp
Classification: Uncertain significance. Last evaluated: 2021-03-25. Review status: criteria provided, single submitter. Criteria: Invitae Variant Classification Sherloc (09022015). Collection method: clinical testing. Allele origin: germline.
Comment: This sequence change replaces lysine with glutamic acid at codon 487 of the LRP2 protein (p.Lys487Glu). The lysine residue is moderately conserved and there is a small physicochemical difference between lysine and glutamic acid. The frequency data for this variant in the population databases is considered unreliable, as metrics indicate poor data quality at this position in the ExAC database. This variant has not been reported in the literature in individuals with LRP2-related conditions. Advanced modeling of protein sequence and biophysical properties (such as structural, functional, and spatial information, amino acid conservation, physicochemical variation, residue mobility, and thermodynamic stability) performed at Invitae indicates that this missense variant is not expected to disrupt LRP2 protein function. In summary, the available evidence is currently insufficient to determine the role of this variant in disease. Therefore, it has been classified as a Variant of Uncertain Significance.